The following is an entry in ClinVar:

ClinVar aggregate classification (germline): Likely benign (1 of 4 stars; one submission).

Allele frequency attached by ClinVar (database versions not stated): TOPMed 0.00002 and 0.00001; gnomAD 0.00002.
gnomAD v4.1: 4 of 1,613,714 alleles (0.00025%); highest among the groups gnomAD compares: African/African-American, 0.0053%; no homozygotes.

Submission:

GeneDx
Classification: Likely benign. Last evaluated: 2018-02-12. Review status: criteria provided, single submitter. Criteria: GeneDx Variant Classification (06012015). Collection method: clinical testing. Allele origin: germline. Affected: yes.
Comment: This variant is considered likely benign or benign based on one or more of the following criteria: it is a conservative change, it occurs at a poorly conserved position in the protein, it is predicted to be benign by multiple in silico algorithms, and/or has population frequency not consistent with disease.

NM_001267550.2(TTN):c.17356A>C (p.Ser5786Arg)

Genes: TTN (titin; minus strand), LOC126806431 (CDK7 strongly-dependent group 2 enhancer GRCh37_chr2:179595719-179596918; plus strand). Cytogenetic location: 2q31.2.
Variant type: single nucleotide variant.
Coding change: c.17356A>C on transcript NM_001267550.2 (MANE Select); coding-DNA position 17356, A replaced by C.
Protein change: p.Ser5786Arg; replaces serine 5786 with arginine.
Molecular consequence: missense variant. On other transcripts: intron variant (3).
Genome position (GRCh38, 1-based): chr2:178,731,410, T>G on the plus strand (A>C on the coding strand, the complement: TTN is on the minus strand). VCF-style: chr2-178731410-T-G. GRCh37 (hg19) VCF-style: chr2-179596137-T-G.
Other names: p.S5469R:AGT>CGT; c.16405A>C, p.Ser5469Arg (NM_001256850.1); c.13624A>C, p.Ser4542Arg (NM_133378.4); c.13282+6672A>C (NM_003319.4); c.13858+6672A>C (NM_133437.4); c.13657+6672A>C (NM_133432.3); short protein forms S5469R, S5786R, S4542R.
Identifiers: ClinVar variation 203261 (VCV000203261.1), dbSNP rs745386654, ClinGen allele CA311847.
Genomic context (GRCh38, chr2:178,731,410, plus strand): 5'-TTTTGGCCTGACAGACATATTTCCCATCATGCTTGACTTCAATGCCACTGAGGTACAAAC[T>G]GGCCACATTGTTCTCAAAGGTCATTCTTATATTATCGTCTTCAGTGATTTCATCGCTGTC-3'
Protein context (NP_001254479.2, residues 5776-5796): IRMTFENNVA[Ser5786Arg]LYLSGIEVKH